The following is an entry in ClinVar:

NM_005515.4(MNX1):c.1179_1197dup (p.Pro400fs)

Gene: MNX1 (motor neuron and pancreas homeobox 1; minus strand). Cytogenetic location: 7q36.3.
Variant type: Duplication.
Coding change: c.1179_1197dup on transcript NM_005515.4 (MANE Select); coding-DNA positions 1179 to 1197, 19 bases duplicated (GCCCAGCCACCAGCCCGCG).
Protein change: p.Pro400fs; shifts the reading frame from proline 400.
Molecular consequence: frameshift variant.
Genome position (GRCh38, 1-based): chr7:157,005,529-157,005,547, CGCGGGCTGGTGGCTGGGC duplicated on the plus strand (GCCCAGCCACCAGCCCGCG on the coding strand, the reverse complement: MNX1 is on the minus strand); duplicating any 19 consecutive bases within chr7:157,005,529-157,005,553 gives the same sequence; the c. name uses the placement nearest the transcript's 3' end. VCF-style (leftmost placement, unchanged base first): chr7-157005528-G-GCGCGGGCTGGTGGCTGGGC. GRCh37 (hg19) VCF-style: chr7-156798222-G-GCGCGGGCTGGTGGCTGGGC.
Other names: c.543_561dup, p.Pro188fs (NM_001165255.2); short protein forms P188fs, P400fs.
Identifiers: ClinVar variation 2636432 (VCV002636432.2), dbSNP rs2537771120, ClinGen allele CA2695199651.

ClinVar aggregate classification (germline): Likely pathogenic. Review status: criteria provided, multiple submitters, no conflicts (2 of 4 stars). 2 submissions from 2 submitters: Likely pathogenic (2). Last evaluated 2024-07-18.

Conditions:
Abnormality of the vertebral column. Identifiers: MedGen C4021789, HP:0000925.
MNX1-related disorder. Also called: MNX1-related condition.

Submissions (2):

Clinical Genetics Laboratory, Skane University Hospital Lund
Classification: Likely pathogenic for Abnormality of the vertebral column. Last evaluated: 2024-07-18. Review status: criteria provided, single submitter. Criteria: ACMG Guidelines, 2015. Collection method: clinical testing. Allele origin: inherited. Inheritance: Autosomal dominant inheritance. Affected: yes.
Comment: PVS1, PM2

PreventionGenetics, part of Exact Sciences
Classification: Likely pathogenic for MNX1-related condition. Last evaluated: 2022-09-06. Review status: criteria provided, single submitter. Criteria: ACMG Guidelines, 2015. Collection method: clinical testing. Allele origin: germline.
Comment: The MNX1 c.1179_1197dup19 variant is predicted to result in a frameshift and premature protein termination (p.Pro400Alafs*73). This variant occurs in the last exon of MNX1, near the native stop codon and is predicted to result in a frameshift and protein extension. To our knowledge, this variant has not been reported in the literature or in a large population database, indicating this variant is rare. Downstream, a similar MNX1 insertion affecting the translation termination codon was reported in a family with Currarino syndrome (c.1205insCACCAGCCCGCGCCCCAGT p.X402Serfs70, Han et al. 2020. PubMed ID: 32571425). Both the previously-reported stop-loss variant and the duplication variant reported here, are predicted to result in an insertion and 1-basepair shift in the reading-frame resulting in a nearly identical protein extension. Taken together, the c.1179_1197dup19 (p.Pro400Alafs*73) variant is interpreted as likely pathogenic.